The following is an entry in ClinVar:

ClinVar aggregate classification (germline): Likely benign (1 of 4 stars; one submission).

gnomAD v4.1: 47 of 11,178 alleles (0.42%); highest among the groups gnomAD compares: Admixed American, 0.72%; 17 homozygotes.

Submission:

CeGaT Center for Human Genetics Tuebingen
Classification: Likely benign. Last evaluated: 2026-05-01. Review status: criteria provided, single submitter. Criteria: CeGaT Center For Human Genetics Tuebingen Variant Classification Criteria Version 2. Collection method: clinical testing. Allele origin: germline. Affected: yes. Observed: 1 variant allele.
Comment: ETV6: BS2

NM_001987.5(ETV6):c.1009+4608T>C

Gene: ETV6 (ETS variant transcription factor 6; plus strand). Cytogenetic location: 12p13.2.
Variant type: single nucleotide variant.
Coding change: c.1009+4608T>C on transcript NM_001987.5 (MANE Select); 4608 bases into the intron after coding-DNA position 1009, T replaced by C.
Molecular consequence: intron variant.
Genome position (GRCh38, 1-based): chr12:11,874,577, T>C. VCF-style: chr12-11874577-T-C. GRCh37 (hg19) VCF-style: chr12-12027511-T-C.
Other names: c.982+4608T>C (NM_001413914.1); c.1009+4608T>C (NM_001413917.1); c.1006+4608T>C (NM_001413913.1); c.745+4608T>C (NM_001413915.1).
Identifiers: ClinVar variation 4872502 (VCV004872502.2).